The following is an entry in ClinVar:

NM_206933.4(USH2A):c.10585+267A>G

Gene: USH2A (usherin; minus strand). Cytogenetic location: 1q41.
Variant type: single nucleotide variant.
Coding change: c.10585+267A>G on transcript NM_206933.4 (MANE Select); 267 bases into the intron after coding-DNA position 10585, A replaced by G.
Molecular consequence: intron variant.
Genome position (GRCh38, 1-based): chr1:215,782,471, T>C on the plus strand (A>G on the coding strand, the complement: USH2A is on the minus strand). VCF-style: chr1-215782471-T-C. GRCh37 (hg19) VCF-style: chr1-215955813-T-C.
Identifiers: ClinVar variation 672465 (VCV000672465.1), dbSNP rs12122543, ClinGen allele CA16078991.

ClinVar aggregate classification (germline): Benign (1 of 4 stars; one submission).

Allele frequency attached by ClinVar (database versions not stated): 1000 Genomes Project 0.35323; 1000 Genomes Project 30x 0.35431; gnomAD 0.36261 and 0.36615; TOPMed 0.36677.
gnomAD v4.1: 55,161 of 151,924 alleles (36%); highest among the groups gnomAD compares: African/African-American, 45%; 10,358 homozygotes.

Submission:

GeneDx
Classification: Benign. Last evaluated: 2018-06-14. Review status: criteria provided, single submitter. Criteria: GeneDx Variant Classification (06012015). Collection method: clinical testing. Allele origin: germline. Affected: yes.
Comment: This variant is considered likely benign or benign based on one or more of the following criteria: it is a conservative change, it occurs at a poorly conserved position in the protein, it is predicted to be benign by multiple in silico algorithms, and/or has population frequency not consistent with disease.